The following is an entry in ClinVar:

NM_005378.6(MYCN):c.-221C>G

Genes: MYCNOS (MYCN opposite strand; minus strand), MYCN (MYCN proto-oncogene, bHLH transcription factor; plus strand). Cytogenetic location: 2p24.3.
Variant type: single nucleotide variant.
Coding change: c.-221C>G on transcript NM_005378.6 (MANE Select); 221 bases upstream of the start codon, C replaced by G.
Molecular consequence: 5 prime UTR variant. On other transcripts: synonymous variant (2).
Genome position (GRCh38, 1-based): chr2:15,940,640, C>G. VCF-style: chr2-15940640-C-G. GRCh37 (hg19) VCF-style: chr2-16080762-C-G.
Other names: c.-531C>G (NM_001293228.2); c.54C>G, p.Arg18= (NM_001293231.2, NM_001293233.2).
Identifiers: ClinVar variation 3356008 (VCV003356008.1).
Genomic context (GRCh38, chr2:15,940,640, plus strand): 5'-TGGGTGGATGCGGGGGGCTCCTGGGAACTGTGTTGGAGCCGAGCAAGCGCTAGCCAGGCG[C>G]AAGCGCGCACAGACTGTAGCCATCCGAGGACACCCCCGCCCCCCCGGCCCACCCGGAGAC-3'

ClinVar aggregate classification (germline): Likely benign (0 of 4 stars; one submission).

Conditions:
MYCN-related disorder. Also called: MYCN-related condition.

Submission:

PreventionGenetics, part of Exact Sciences
Classification: Likely benign for MYCN-related condition. Last evaluated: 2024-04-16. Review status: no assertion criteria provided. Collection method: clinical testing. Allele origin: germline.
Comment: This variant is classified as likely benign based on ACMG/AMP sequence variant interpretation guidelines (Richards et al. 2015 PMID: 25741868, with internal and published modifications).